The following is an entry in ClinVar:

NM_001164508.2(NEB):c.3203C>T (p.Thr1068Ile)

Gene: NEB (nebulin; minus strand). Cytogenetic location: 2q23.3.
Variant type: single nucleotide variant.
Coding change: c.3203C>T on transcript NM_001164508.2 (MANE Select); coding-DNA position 3203, C replaced by T.
Protein change: p.Thr1068Ile; replaces threonine 1068 with isoleucine.
Molecular consequence: missense variant.
Genome position (GRCh38, 1-based): chr2:151,679,773, G>A on the plus strand (C>T on the coding strand, the complement: NEB is on the minus strand). VCF-style: chr2-151679773-G-A. GRCh37 (hg19) VCF-style: chr2-152536287-G-A.
Other names: p.Thr1068Ile; c.3203C>T (NM_004543.4); c.3203C>T, p.Thr1068Ile (NM_001164507.2, NM_001271208.2, NM_004543.5); short protein forms T1068I.
Identifiers: ClinVar variation 534012 (VCV000534012.14), dbSNP rs769233880, ClinGen allele CA1910976.

ClinVar aggregate classification (germline): Conflicting classifications of pathogenicity. Review status: criteria provided, conflicting classifications (1 of 4 stars). 5 submissions from 5 submitters: Uncertain significance (3); Likely benign (1). 1 of the submissions does not count toward it. Last evaluated 2025-10-02.

Conditions:
Inborn genetic diseases. Identifiers: MedGen C0950123, MeSH D030342.
Nemaline myopathy 2 (NEM2). Also called: Nemaline myopathy 2, autosomal recessive. Identifiers: MedGen C1850569, MONDO:0009725, OMIM 256030.

Allele frequency attached by ClinVar (database versions not stated): gnomAD 0.00002; TOPMed 0.00002; ExAC 0.00003; gnomAD exomes 0.00004 and 0.00010.
gnomAD v4.1: 151 of 1,609,168 alleles (0.0094%); highest among the groups gnomAD compares: Non-Finnish European, 0.012%; no homozygotes.

Submissions (5):

Labcorp Genetics (formerly Invitae), Labcorp
Classification: Likely benign for Nemaline myopathy 2. Last evaluated: 2025-10-02. Review status: criteria provided, single submitter. Criteria: Invitae Variant Classification Sherloc (09022015). Collection method: clinical testing. Allele origin: germline.

Ambry Genetics
Classification: Uncertain significance for Inborn genetic diseases. Last evaluated: 2025-09-25. Review status: criteria provided, single submitter. Criteria: Ambry Variant Classification Scheme 2023. Collection method: clinical testing. Allele origin: germline.

Mayo Clinic Laboratories, Mayo Clinic
Classification: Uncertain significance. Last evaluated: 2025-03-18. Review status: criteria provided, single submitter. Criteria: ACMG Guidelines, 2015. Collection method: clinical testing. Allele origin: germline. Observed: 1 variant allele.
Comment: BP4

Revvity Omics, Revvity
Classification: Uncertain significance. Last evaluated: 2020-03-17. Review status: criteria provided, single submitter. Criteria: ACMG Guidelines, 2015. Collection method: clinical testing. Allele origin: germline.

Natera, Inc.
Classification: Uncertain significance for Nemaline myopathy type 2. Last evaluated: 2019-11-11. Review status: no assertion criteria provided. Collection method: clinical testing. Allele origin: germline. Not counted in ClinVar's aggregate classification.